The following is an entry in ClinVar:

NM_007348.4(ATF6):c.434C>A (p.Ala145Glu)

Gene: ATF6 (activating transcription factor 6; plus strand). Cytogenetic location: 1q23.3.
Variant type: single nucleotide variant.
Coding change: c.434C>A on transcript NM_007348.4 (MANE Select); coding-DNA position 434, C replaced by A.
Protein change: p.Ala145Glu; replaces alanine 145 with glutamic acid.
Molecular consequence: missense variant.
Genome position (GRCh38, 1-based): chr1:161,791,487, C>A. VCF-style: chr1-161791487-C-A. GRCh37 (hg19) VCF-style: chr1-161761277-C-A.
Other names: c.434C>A, p.Ala145Glu (NM_001410890.1); short protein forms A145E.
Identifiers: ClinVar variation 1934594 (VCV001934594.5), dbSNP rs201470370, ClinGen allele CA343386154.

ClinVar aggregate classification (germline): Uncertain significance (1 of 4 stars; one submission).

gnomAD v4.1: 18 of 1,612,214 alleles (0.0011%); highest among the groups gnomAD compares: South Asian, 0.0088%; no homozygotes.

Submission:

Labcorp Genetics (formerly Invitae), Labcorp
Classification: Uncertain significance. Last evaluated: 2022-03-12. Review status: criteria provided, single submitter. Criteria: Invitae Variant Classification Sherloc (09022015). Collection method: clinical testing. Allele origin: germline.
Comment: In summary, the available evidence is currently insufficient to determine the role of this variant in disease. Therefore, it has been classified as a Variant of Uncertain Significance. Algorithms developed to predict the effect of missense changes on protein structure and function (SIFT, PolyPhen-2, Align-GVGD) all suggest that this variant is likely to be tolerated. This variant has not been reported in the literature in individuals affected with ATF6-related conditions. This variant is not present in population databases (gnomAD no frequency). This sequence change replaces alanine, which is neutral and non-polar, with glutamic acid, which is acidic and polar, at codon 145 of the ATF6 protein (p.Ala145Glu).